The following is an entry in ClinVar:

ClinVar aggregate classification (germline): Conflicting classifications of pathogenicity. Review status: criteria provided, conflicting classifications (1 of 4 stars). 7 submissions from 7 submitters: Uncertain significance (1); Benign (1); Likely benign (4). 1 of the submissions does not count toward it. Last evaluated 2026-02-04.

Conditions:
LRP2-related disorder. Also called: LRP2-related condition.
Donnai-Barrow syndrome. Also called: DBS/FOAR SYNDROME; FACIOOCULOACOUSTICORENAL SYNDROME. Identifiers: Orphanet 2143, MedGen C1857277, MONDO:0009104, OMIM 222448.

Allele frequency attached by ClinVar (database versions not stated): 1000 Genomes Project 30x 0.00062; 1000 Genomes Project 0.00080; ExAC 0.00185; gnomAD exomes 0.00189 and 0.00300; TOPMed 0.00189; gnomAD 0.00192 and 0.00201; ESP Exome Variant Server 0.00223.
gnomAD v4.1: 4,627 of 1,611,740 alleles (0.29%); highest among the groups gnomAD compares: Non-Finnish European, 0.36%; 15 homozygotes.

Submissions (7):

Labcorp Genetics (formerly Invitae), Labcorp
Classification: Benign. Last evaluated: 2026-02-04. Review status: criteria provided, single submitter. Criteria: Invitae Variant Classification Sherloc (09022015). Collection method: clinical testing. Allele origin: germline.

CeGaT Center for Human Genetics Tuebingen
Classification: Likely benign. Last evaluated: 2025-09-01. Review status: criteria provided, single submitter. Criteria: CeGaT Center For Human Genetics Tuebingen Variant Classification Criteria Version 2. Collection method: clinical testing. Allele origin: germline. Affected: yes. Observed: 9 variant alleles.
Comment: LRP2: BP4, BS2

Genome-Nilou Lab
Classification: Likely benign for Donnai-Barrow syndrome. Last evaluated: 2021-07-15. Review status: criteria provided, single submitter. Criteria: ACMG Guidelines, 2015. Collection method: clinical testing. Allele origin: germline. Affected: no.

Illumina Laboratory Services, Illumina
Classification: Likely benign for Donnai-Barrow syndrome. Last evaluated: 2018-01-13. Review status: criteria provided, single submitter. Criteria: ICSL Variant Classification Criteria 13 December 2019. Collection method: clinical testing. Allele origin: germline.
Comment: This variant was observed in the ICSL laboratory as part of a predisposition screen in an ostensibly healthy population. It had not been previously curated by ICSL or reported in the Human Gene Mutation Database (HGMD: prior to June 1st, 2018), and was therefore a candidate for classification through an automated scoring system. Utilizing variant allele frequency, disease prevalence and penetrance estimates, and inheritance mode, an automated score was calculated to assess if this variant is too frequent to cause the disease. Based on the score and internal cut-off values, a variant classified as likely benign is not then subjected to further curation. The score for this variant resulted in a classification of likely benign for this disease.

Genomic Diagnostic Laboratory, Division of Genomic Diagnostics, Children's Hospital of Philadelphia
Classification: Likely benign. Last evaluated: 2015-06-25. Review status: criteria provided, single submitter. Criteria: DGD Variant Analysis Guidelines. Collection method: clinical testing. Allele origin: unknown.

Genetic Services Laboratory, University of Chicago
Classification: Uncertain significance. Last evaluated: 2014-05-23. Review status: criteria provided, single submitter. Criteria: ACMG Guidelines, 2015. Collection method: clinical testing. Allele origin: germline.

PreventionGenetics, part of Exact Sciences
Classification: Likely benign for LRP2-related condition. Last evaluated: 2021-12-06. Review status: no assertion criteria provided. Collection method: clinical testing. Allele origin: germline. Not counted in ClinVar's aggregate classification.
Comment: This variant is classified as likely benign based on ACMG/AMP sequence variant interpretation guidelines (Richards et al. 2015 PMID: 25741868, with internal and published modifications).

NM_004525.3(LRP2):c.13685T>C (p.Val4562Ala)

Gene: LRP2 (LDL receptor related protein 2; minus strand). Cytogenetic location: 2q31.1.
Variant type: single nucleotide variant.
Coding change: c.13685T>C on transcript NM_004525.3 (MANE Select); coding-DNA position 13685, T replaced by C.
Protein change: p.Val4562Ala; replaces valine 4562 with alanine.
Molecular consequence: missense variant.
Genome position (GRCh38, 1-based): chr2:169,132,617, A>G on the plus strand (T>C on the coding strand, the complement: LRP2 is on the minus strand). VCF-style: chr2-169132617-A-G. GRCh37 (hg19) VCF-style: chr2-169989127-A-G.
Other names: short protein forms V4562A.
Identifiers: ClinVar variation 211393 (VCV000211393.57), dbSNP rs142245618, ClinGen allele CA248832.